The following is an entry in ClinVar:

NM_003074.4(SMARCC1):c.436G>A (p.Asp146Asn)

Gene: SMARCC1 (SWI/SNF related BAF chromatin remodeling complex subunit C1; minus strand). Cytogenetic location: 3p21.31.
Variant type: single nucleotide variant.
Coding change: c.436G>A on transcript NM_003074.4 (MANE Select); coding-DNA position 436, G replaced by A.
Protein change: p.Asp146Asn; replaces aspartic acid 146 with asparagine.
Molecular consequence: missense variant.
Genome position (GRCh38, 1-based): chr3:47,738,076, C>T on the plus strand (G>A on the coding strand, the complement: SMARCC1 is on the minus strand). VCF-style: chr3-47738076-C-T. GRCh37 (hg19) VCF-style: chr3-47779566-C-T.
Other names: short protein forms D146N.
Identifiers: ClinVar variation 4976310 (VCV004976310.1).

ClinVar aggregate classification (germline): Uncertain significance (1 of 4 stars; one submission).

Submission:

GeneDx
Classification: Uncertain significance. Last evaluated: 2026-02-09. Review status: criteria provided, single submitter. Criteria: GeneDx Variant Classification Process June 2021. Collection method: clinical testing. Allele origin: germline.
Comment: Not observed at significant frequency in large population cohorts (gnomAD); In silico analysis supports that this missense variant has a deleterious effect on protein structure/function; Has not been previously published as pathogenic or benign to our knowledge